The following is an entry in ClinVar:

NM_012210.4(TRIM32):c.-133G>C

Genes: ASTN2 (astrotactin 2; minus strand), TRIM32 (tripartite motif containing 32; plus strand). Cytogenetic location: 9q33.1.
Variant type: single nucleotide variant.
Coding change: c.-133G>C on transcript NM_012210.4 (MANE Select); 133 bases upstream of the start codon, G replaced by C.
Molecular consequence: 5 prime UTR variant. On other transcripts: intron variant (3).
Genome position (GRCh38, 1-based): chr9:116,687,330, G>C. VCF-style: chr9-116687330-G-C. GRCh37 (hg19) VCF-style: chr9-119449609-G-C.
Other names: c.-130G>C (NM_001099679.2); c.-194G>C (NM_001379048.1); c.2654-35537C>G (NM_014010.5); c.2795-35537C>G (NM_001365069.1); c.2807-35537C>G (NM_001365068.1).
Identifiers: ClinVar variation 364712 (VCV000364712.9), dbSNP rs12342207, ClinGen allele CA10628856.
Genomic context (GRCh38, chr9:116,687,330, plus strand): 5'-CAGGGAGCTCTGCGAATTGGCGCCCGGCAAGGGGTGCTCAACGGCGCGTGCGCAGAGGGA[G>C]GCAGGCGGGTGGGCTGCCGGCGGTGGACTCGTCGGAGCCGCGGGCGGTCAGGTAGGGGGC-3'

ClinVar aggregate classification (germline): Benign. Review status: criteria provided, multiple submitters, no conflicts (2 of 4 stars). 4 submissions from 3 submitters: Benign (4). Last evaluated 2018-07-03.

Conditions:
Bardet-Biedl syndrome 11 (BBS11). Identifiers: Orphanet 110, MedGen C1859569, MONDO:0014439, OMIM 615988.
Sarcotubular myopathy (LGMDR8). Also called: Limb-girdle muscular dystrophy, type 2H; Hutterite type of muscular dystrophy; Autosomal recessive limb-girdle muscular dystrophy type 2H; MUSCULAR DYSTROPHY, LIMB-GIRDLE, AUTOSOMAL RECESSIVE 8. Identifiers: Orphanet 1878, MedGen C0270968, MONDO:0009683, OMIM 254110.

Allele frequency attached by ClinVar (database versions not stated): 1000 Genomes Project 0.25599; 1000 Genomes Project 30x 0.25687; gnomAD 0.27173 and 0.27325; TOPMed 0.27650.
gnomAD v4.1: 297,472 of 957,472 alleles (31%); highest among the groups gnomAD compares: Admixed American, 42%; 48,043 homozygotes.

Submissions (4):

GeneDx
Classification: Benign. Last evaluated: 2018-07-03. Review status: criteria provided, single submitter. Criteria: GeneDx Variant Classification Process June 2021. Collection method: clinical testing. Allele origin: germline. Affected: yes.

Illumina Laboratory Services, Illumina
Classification: Benign for Bardet-Biedl syndrome 11. Last evaluated: 2018-01-12. Review status: criteria provided, single submitter. Criteria: ICSL Variant Classification Criteria 13 December 2019. Collection method: clinical testing. Allele origin: germline.
Comment: This variant was observed in the ICSL laboratory as part of a predisposition screen in an ostensibly healthy population. It had not been previously curated by ICSL or reported in the Human Gene Mutation Database (HGMD: prior to June 1st, 2018), and was therefore a candidate for classification through an automated scoring system. Utilizing variant allele frequency, disease prevalence and penetrance estimates, and inheritance mode, an automated score was calculated to assess if this variant is too frequent to cause the disease. Based on the score and internal cut-off values, a variant classified as benign is not then subjected to further curation. The score for this variant resulted in a classification of benign for this disease.

Illumina Laboratory Services, Illumina
Classification: Benign for Sarcotubular myopathy. Last evaluated: 2018-01-12. Review status: criteria provided, single submitter. Criteria: ICSL Variant Classification Criteria 13 December 2019. Collection method: clinical testing. Allele origin: germline.
Comment: the same text as in the submission from Illumina Laboratory Services, Illumina above.

Breakthrough Genomics
Classification: Benign. Review status: criteria provided, single submitter. Criteria: ACMG Guidelines, 2015. Collection method: not provided. Allele origin: germline. Inheritance: Autosomal recessive inheritance. Affected: yes.